The following is an entry in ClinVar:

NM_000282.4(PCCA):c.1746+98T>A

Gene: PCCA (propionyl-CoA carboxylase subunit alpha; plus strand). Cytogenetic location: 13q32.3.
Variant type: single nucleotide variant.
Coding change: c.1746+98T>A on transcript NM_000282.4 (MANE Select); 98 bases into the intron after coding-DNA position 1746, T replaced by A.
Molecular consequence: intron variant.
Genome position (GRCh38, 1-based): chr13:100,368,672, T>A. VCF-style: chr13-100368672-T-A. GRCh37 (hg19) VCF-style: chr13-101020926-T-A.
Other names: c.1746+98T>A (NM_001178004.2, NM_001352605.2, NM_001352609.2); c.1602+98T>A (NM_001352606.2); c.801+98T>A (NM_001352610.2, NM_001352611.2); c.657+98T>A (NM_001352612.2); c.1668+98T>A (NM_001127692.3, NM_001352607.2); c.1524+98T>A (NM_001352608.2).
Identifiers: ClinVar variation 675926 (VCV000675926.2), dbSNP rs10508043, ClinGen allele CA13851198.

ClinVar aggregate classification (germline): Benign. Review status: criteria provided, multiple submitters, no conflicts (2 of 4 stars). 2 submissions from 2 submitters: Benign (2). Last evaluated 2018-06-16.

Allele frequency attached by ClinVar (database versions not stated): 1000 Genomes Project 0.09625; 1000 Genomes Project 30x 0.09728; TOPMed 0.11006; gnomAD 0.11075 and 0.11402; gnomAD exomes 0.15335.
gnomAD v4.1: 112,793 of 774,782 alleles (15%); highest among the groups gnomAD compares: Middle Eastern, 27%; 9,399 homozygotes.

Submissions (2):

GeneDx
Classification: Benign. Last evaluated: 2018-06-16. Review status: criteria provided, single submitter. Criteria: GeneDx Variant Classification (06012015). Collection method: clinical testing. Allele origin: germline. Affected: yes.
Comment: This variant is considered likely benign or benign based on one or more of the following criteria: it is a conservative change, it occurs at a poorly conserved position in the protein, it is predicted to be benign by multiple in silico algorithms, and/or has population frequency not consistent with disease.

Breakthrough Genomics
Classification: Benign. Review status: criteria provided, single submitter. Criteria: ACMG Guidelines, 2015. Collection method: not provided. Allele origin: germline. Inheritance: Autosomal recessive inheritance. Affected: yes.